The following is an entry in ClinVar:

ClinVar aggregate classification (germline): Pathogenic. Review status: criteria provided, multiple submitters, no conflicts (2 of 4 stars). 2 submissions from 2 submitters: Pathogenic (2). Last evaluated 2025-06-15.

Conditions:
Niemann-Pick disease, type C1. Also called: NEUROVISCERAL STORAGE DISEASE WITH VERTICAL SUPRANUCLEAR OPHTHALMOPLEGIA; NIEMANN-PICK DISEASE WITH CHOLESTEROL ESTERIFICATION BLOCK; NIEMANN-PICK DISEASE WITHOUT SPHINGOMYELINASE DEFICIENCY; NIEMANN-PICK DISEASE, CHRONIC NEURONOPATHIC FORM; NIEMANN-PICK DISEASE, VARIANT TYPE C1. Identifiers: Orphanet 646, MedGen C3179455, MONDO:0009757, OMIM 257220.

Submissions (2):

Myriad Genetics, Inc.
Classification: Pathogenic for Niemann-Pick disease, type C1. Last evaluated: 2025-06-15. Review status: criteria provided, single submitter. Criteria: Myriad Autosomal Dominant, Autosomal Recessive and X-Linked Classification Criteria (2023). Collection method: clinical testing. Allele origin: unknown.
Comment: NM_000271.4(NPC1):c.1290delC(F431Lfs*18) is expected to be pathogenic in the context of Niemann-Pick disease type C1. This variant is predicted to lead to an abnormal or absent protein product due to the creation of a premature termination codon in NPC1, a gene where loss-of-function variants are known to be pathogenic. Please note: this variant was assessed in the context of healthy population screening.

Labcorp Genetics (formerly Invitae), Labcorp
Classification: Pathogenic for Niemann-Pick disease, type C1. Last evaluated: 2023-02-18. Review status: criteria provided, single submitter. Criteria: Invitae Variant Classification Sherloc (09022015). Collection method: clinical testing. Allele origin: germline.
Comment: For these reasons, this variant has been classified as Pathogenic. This premature translational stop signal has been observed in individual(s) with Niemann–Pick disease type C (PMID: 35038048). This variant is not present in population databases (gnomAD no frequency). This sequence change creates a premature translational stop signal (p.Phe431Leufs*18) in the NPC1 gene. It is expected to result in an absent or disrupted protein product. Loss-of-function variants in NPC1 are known to be pathogenic (PMID: 9211850).

Literature cited by the submitters: PubMed 35038048 (cited by Labcorp Genetics (formerly Invitae), Labcorp); PubMed 9211850 (cited by Labcorp Genetics (formerly Invitae), Labcorp).

NM_000271.5(NPC1):c.1290del (p.Phe431fs)

Gene: NPC1 (NPC intracellular cholesterol transporter 1; minus strand). Cytogenetic location: 18q11.2.
Variant type: Deletion.
Coding change: c.1290del on transcript NM_000271.5 (MANE Select); coding-DNA position 1290, one base deleted (C; older notation c.1290delC).
Protein change: p.Phe431fs; shifts the reading frame from phenylalanine 431.
Molecular consequence: frameshift variant.
Genome position (GRCh38, 1-based): chr18:23,556,279, G deleted on the plus strand (C on the coding strand, the reverse complement: NPC1 is on the minus strand); the first of 3 consecutive G bases (chr18:23,556,279-23,556,281); deleting any one gives the same sequence. VCF-style (leftmost placement, unchanged base first): chr18-23556278-AG-A. GRCh37 (hg19) VCF-style: chr18-21136242-AG-A.
Other names: short protein forms F431fs.
Identifiers: ClinVar variation 2838653 (VCV002838653.4), dbSNP rs2511282212, ClinGen allele CA2641273993.